The following is an entry in ClinVar:

NM_012295.4(CABIN1):c.3165C>G (p.Asn1055Lys)

Gene: CABIN1 (calcineurin binding protein 1; plus strand). Cytogenetic location: 22q11.23.
Variant type: single nucleotide variant.
Coding change: c.3165C>G on transcript NM_012295.4 (MANE Select); coding-DNA position 3165, C replaced by G.
Protein change: p.Asn1055Lys; replaces asparagine 1055 with lysine.
Molecular consequence: missense variant.
Genome position (GRCh38, 1-based): chr22:24,085,053, C>G. VCF-style: chr22-24085053-C-G. GRCh37 (hg19) VCF-style: chr22-24481006-C-G.
Other names: c.3165C>G, p.Asn1055Lys (NM_001199281.1); c.3015C>G, p.Asn1005Lys (NM_001201429.2); short protein forms N1005K, N1055K.
Identifiers: ClinVar variation 3050395 (VCV003050395.2), dbSNP rs149291554, ClinGen allele CA10149099.

ClinVar aggregate classification (germline): Benign (0 of 4 stars; one submission).

Conditions:
CABIN1-related disorder. Also called: CABIN1-related condition.

Allele frequency attached by ClinVar (database versions not stated): ESP Exome Variant Server 0.00069; 1000 Genomes Project 30x 0.00297; 1000 Genomes Project 0.00300.
gnomAD v4.1: 1,903 of 1,614,196 alleles (0.12%); highest among the groups gnomAD compares: South Asian, 0.85%; 10 homozygotes.

Submission:

PreventionGenetics, part of Exact Sciences
Classification: Benign for CABIN1-related condition. Last evaluated: 2019-04-24. Review status: no assertion criteria provided. Collection method: clinical testing. Allele origin: germline.
Comment: This variant is classified as benign based on ACMG/AMP sequence variant interpretation guidelines (Richards et al. 2015 PMID: 25741868, with internal and published modifications).